The following is an entry in ClinVar:

ClinVar aggregate classification (germline): Uncertain significance (1 of 4 stars; one submission).

Conditions:
TTC21B-related disorder. Also called: TTC21B-related condition; TTC21B-related disorders.

gnomAD v4.1: 2 of 1,613,730 alleles (0.00012%); highest among the groups gnomAD compares: African/African-American, 0.0013%; no homozygotes.

Submission:

PreventionGenetics, part of Exact Sciences
Classification: Uncertain significance for TTC21B-related condition. Last evaluated: 2025-09-02. Review status: criteria provided, single submitter. Criteria: ACMG Guidelines, 2015. Collection method: clinical testing. Allele origin: germline.
Comment: The TTC21B c.326A>G variant is predicted to result in the amino acid substitution p.Lys109Arg. To our knowledge, this variant has not been reported in the literature or in a large population database (gnomAD), indicating this variant is rare. At this time, the clinical significance of this variant is uncertain due to the absence of conclusive functional and genetic evidence.

NM_024753.5(TTC21B):c.326A>G (p.Lys109Arg)

Genes: TTC21B-AS1 (TTC21B antisense RNA 1; plus strand), TTC21B (tetratricopeptide repeat domain 21B; minus strand). Cytogenetic location: 2q24.3.
Variant type: single nucleotide variant.
Coding change: c.326A>G on transcript NM_024753.5 (MANE Select); coding-DNA position 326, A replaced by G.
Protein change: p.Lys109Arg; replaces lysine 109 with arginine.
Molecular consequence: missense variant.
Genome position (GRCh38, 1-based): chr2:165,945,627, T>C on the plus strand (A>G on the coding strand, the complement: TTC21B is on the minus strand). VCF-style: chr2-165945627-T-C. GRCh37 (hg19) VCF-style: chr2-166802137-T-C.
Other names: short protein forms K109R.
Identifiers: ClinVar variation 4981258 (VCV004981258.1).